The following is an entry in ClinVar:

NM_054027.6(ANKH):c.-4G>A

Gene: ANKH (ANKH inorganic pyrophosphate transport regulator; minus strand). Cytogenetic location: 5p15.2.
Variant type: single nucleotide variant.
Coding change: c.-4G>A on transcript NM_054027.6 (MANE Select); 4 bases upstream of the start codon, G replaced by A.
Molecular consequence: 5 prime UTR variant.
Genome position (GRCh38, 1-based): chr5:14,871,451, C>T on the plus strand (G>A on the coding strand, the complement: ANKH is on the minus strand). VCF-style: chr5-14871451-C-T. GRCh37 (hg19) VCF-style: chr5-14871560-C-T.
Identifiers: ClinVar variation 351926 (VCV000351926.17), dbSNP rs78431233, ClinGen allele CA3209271.

ClinVar aggregate classification (germline): Benign. Review status: criteria provided, multiple submitters, no conflicts (2 of 4 stars). 6 submissions from 5 submitters: Benign (6). Last evaluated 2025-08-18.

Conditions:
Chondrocalcinosis 2. Also called: CALCIUM GOUT; CALCIUM PYROPHOSPHATE ARTHROPATHY; Familial calcium pyrophosphate deposition. Identifiers: Orphanet 1416, MedGen C0856830, MONDO:0007319, OMIM 118600.
Craniometaphyseal dysplasia, autosomal dominant (CMDD). Identifiers: Orphanet 1522, MedGen C1852502, MONDO:0007397, OMIM 123000.

Allele frequency attached by ClinVar (database versions not stated): 1000 Genomes Project 0.02157; 1000 Genomes Project 30x 0.02358; gnomAD 0.05430 and 0.05238; TOPMed 0.04716; ESP Exome Variant Server 0.05414.

Submissions (6):

Labcorp Genetics (formerly Invitae), Labcorp
Classification: Benign. Last evaluated: 2025-08-18. Review status: criteria provided, single submitter. Criteria: Invitae Variant Classification Sherloc (09022015). Collection method: clinical testing. Allele origin: germline.

Genome-Nilou Lab
Classification: Benign for Craniometaphyseal dysplasia, autosomal dominant. Last evaluated: 2021-12-05. Review status: criteria provided, single submitter. Criteria: ACMG Guidelines, 2015. Collection method: clinical testing. Allele origin: germline. Affected: no.

GeneDx
Classification: Benign. Last evaluated: 2018-12-12. Review status: criteria provided, single submitter. Criteria: GeneDx Variant Classification Process June 2021. Collection method: clinical testing. Allele origin: germline. Affected: yes.
Comment: This variant is associated with the following publications: (PMID: 15818664, 21811784, 23315997)

Illumina Laboratory Services, Illumina
Classification: Benign for Chondrocalcinosis 2. Last evaluated: 2018-03-06. Review status: criteria provided, single submitter. Criteria: ICSL Variant Classification Criteria 13 December 2019. Collection method: clinical testing. Allele origin: germline.
Comment: This variant was observed in the ICSL laboratory as part of a predisposition screen in an ostensibly healthy population. It had not been previously curated by ICSL or reported in the Human Gene Mutation Database (HGMD: prior to June 1st, 2018), and was therefore a candidate for classification through an automated scoring system. Utilizing variant allele frequency, disease prevalence and penetrance estimates, and inheritance mode, an automated score was calculated to assess if this variant is too frequent to cause the disease. Based on the score and internal cut-off values, a variant classified as benign is not then subjected to further curation. The score for this variant resulted in a classification of benign for this disease.

Illumina Laboratory Services, Illumina
Classification: Benign for Craniometaphyseal dysplasia, autosomal dominant. Last evaluated: 2018-03-06. Review status: criteria provided, single submitter. Criteria: ICSL Variant Classification Criteria 13 December 2019. Collection method: clinical testing. Allele origin: germline.
Comment: the same text as in the submission from Illumina Laboratory Services, Illumina above.

Breakthrough Genomics
Classification: Benign. Review status: criteria provided, single submitter. Criteria: ACMG Guidelines, 2015. Collection method: not provided. Allele origin: germline. Inheritance: Autosomal dominant inheritance. Affected: yes.